The following is an entry in ClinVar:

ClinVar aggregate classification (germline): Uncertain significance. Review status: criteria provided, multiple submitters, no conflicts (2 of 4 stars). 6 submissions from 5 submitters: Uncertain significance (6). Last evaluated 2024-11-12.

Conditions:
Lethal Kniest-like syndrome (DDSH). Also called: Dyssegmental Dysplasia. Identifiers: Orphanet 1865, MedGen C1857100, MONDO:0009140, OMIM 224410.
Schwartz-Jampel syndrome type 1 (SJS1). Also called: MYOTONIC MYOPATHY, DWARFISM, CHONDRODYSTROPHY, AND OCULAR AND FACIAL ABNORMALITIES; CHONDRODYSTROPHIC MYOTONIA. Identifiers: MedGen C4551479, MONDO:0100435, OMIM 255800.
Schwartz-Jampel syndrome. Also called: Myotonic myopathy dwarfism chondrodystrophy and ocular and facial abnormalities. Identifiers: Orphanet 800, MedGen C0036391, MONDO:0009717.

Allele frequency attached by ClinVar (database versions not stated): ExAC 0.00005; gnomAD 0.00005 and 0.00006; gnomAD exomes 0.00006; TOPMed 0.00006; ESP Exome Variant Server 0.00008.
gnomAD v4.1: 123 of 1,612,520 alleles (0.0076%); highest among the groups gnomAD compares: Middle Eastern, 0.099%; no homozygotes.

Submissions (6):

Blueprint Genetics
Classification: Uncertain significance. Last evaluated: 2024-11-12. Review status: criteria provided, single submitter. Criteria: ACMG Guidelines, 2015. Collection method: clinical testing. Allele origin: germline.

Labcorp Genetics (formerly Invitae), Labcorp
Classification: Uncertain significance. Last evaluated: 2024-10-07. Review status: criteria provided, single submitter. Criteria: Invitae Variant Classification Sherloc (09022015). Collection method: clinical testing. Allele origin: germline.
Comment: This sequence change replaces arginine, which is basic and polar, with tryptophan, which is neutral and slightly polar, at codon 3366 of the HSPG2 protein (p.Arg3366Trp). This variant is present in population databases (rs139956831, gnomAD 0.01%). This variant has not been reported in the literature in individuals affected with HSPG2-related conditions. ClinVar contains an entry for this variant (Variation ID: 874882). An algorithm developed to predict the effect of missense changes on protein structure and function (PolyPhen-2) suggests that this variant is likely to be disruptive. In summary, the available evidence is currently insufficient to determine the role of this variant in disease. Therefore, it has been classified as a Variant of Uncertain Significance.

Department of Pathology and Laboratory Medicine, Sinai Health System
Classification: Uncertain significance for Lethal Kniest-like syndrome; Schwartz-Jampel syndrome type 1. Last evaluated: 2020-08-19. Review status: criteria provided, single submitter. Criteria: ACMG Guidelines, 2015. Collection method: research. Allele origin: germline.

Illumina Laboratory Services, Illumina
Classification: Uncertain significance for Schwartz-Jampel syndrome type 1. Last evaluated: 2018-01-13. Review status: criteria provided, single submitter. Criteria: ICSL Variant Classification Criteria 13 December 2019. Collection method: clinical testing. Allele origin: germline.

Illumina Laboratory Services, Illumina
Classification: Uncertain significance for Lethal Kniest-like syndrome. Last evaluated: 2018-01-13. Review status: criteria provided, single submitter. Criteria: ICSL Variant Classification Criteria 13 December 2019. Collection method: clinical testing. Allele origin: germline.

Breakthrough Genomics
Classification: Uncertain significance. Review status: criteria provided, single submitter. Criteria: ACMG Guidelines, 2015. Collection method: not provided. Allele origin: germline. Inheritance: Autosomal recessive inheritance. Affected: yes.

NM_005529.7(HSPG2):c.10096C>T (p.Arg3366Trp)

Gene: HSPG2 (heparan sulfate proteoglycan 2; minus strand). Cytogenetic location: 1p36.12.
Variant type: single nucleotide variant.
Coding change: c.10096C>T on transcript NM_005529.7 (MANE Select); coding-DNA position 10096, C replaced by T.
Protein change: p.Arg3366Trp; replaces arginine 3366 with tryptophan.
Molecular consequence: missense variant.
Genome position (GRCh38, 1-based): chr1:21,838,879, G>A on the plus strand (C>T on the coding strand, the complement: HSPG2 is on the minus strand). VCF-style: chr1-21838879-G-A. GRCh37 (hg19) VCF-style: chr1-22165372-G-A.
Other names: c.10099C>T, p.Arg3367Trp (NM_001291860.2); short protein forms R3367W, R3366W.
Identifiers: ClinVar variation 874882 (VCV000874882.11), dbSNP rs139956831, ClinGen allele CA670229.
Genomic context (GRCh38, chr1:21,838,879, plus strand): 5'-GCTTACCTTGGACGAGCAGCTGGGCAAAGGCCTCGGCTGAGCCCACCTTGTTGGTGACCC[G>A]GCAGCGGTAGCGGCCTGAGTCCTCAGGGGCTGCACGCTCAAAGTGCAGCAGCTCGTTCCT-3'
Protein context (NP_005520.4, residues 3356-3376): APEDSGRYRC[Arg3366Trp]VTNKVGSAEA